The following is an entry in ClinVar:

ClinVar aggregate classification (germline): Conflicting classifications of pathogenicity. Review status: criteria provided, conflicting classifications (1 of 4 stars). 5 submissions from 4 submitters: Uncertain significance (1); Benign (1); Likely benign (2). 1 of the submissions does not count toward it. Last evaluated 2026-02-03.

Conditions:
Hereditary cancer-predisposing syndrome. Also called: Neoplastic Syndromes, Hereditary; Hereditary Cancer Syndrome; Tumor predisposition; Hereditary neoplastic syndrome. Identifiers: Orphanet 140162, MedGen C0027672, MeSH D009386, MONDO:0015356.
Familial cancer of breast. Also called: Hereditary breast cancer; BREAST CANCER, FAMILIAL; hereditary breast carcinoma. Identifiers: Orphanet 227535, MedGen C0346153, MONDO:0016419, OMIM 114480. Disease mechanism: loss of function.
Ataxia-telangiectasia syndrome (AT). Also called: LOUIS-BAR SYNDROME; Cerebello-oculocutaneous telangiectasia; Immunodeficiency with ataxia telangiectasia; Ataxia-telangiectasia, complementation group D; AT, COMPLEMENTATION GROUP C; Ataxia-telangiectasia, complementation group E. Identifiers: Orphanet 100, MedGen C0004135, MONDO:0008840, OMIM 208900.
Malignant tumor of breast. Also called: Malignant breast neoplasm; Cancer breast. Identifiers: MedGen C0006142, MONDO:0007254. Disease mechanism: loss of function.

Submissions (5):

Labcorp Genetics (formerly Invitae), Labcorp
Classification: Benign for Ataxia-telangiectasia syndrome. Last evaluated: 2026-02-03. Review status: criteria provided, single submitter. Criteria: Invitae Variant Classification Sherloc (09022015). Collection method: clinical testing. Allele origin: germline.

Color Diagnostics, LLC DBA Color Health
Classification: Likely benign for Hereditary cancer-predisposing syndrome. Last evaluated: 2017-10-02. Review status: criteria provided, single submitter. Criteria: ACMG Guidelines, 2015. Collection method: clinical testing. Allele origin: germline.

GeneDx
Classification: Likely benign. Last evaluated: 2017-09-14. Review status: criteria provided, single submitter. Criteria: GeneDx Variant Classification (06012015). Collection method: clinical testing. Allele origin: germline. Affected: yes.
Comment: This variant is considered likely benign or benign based on one or more of the following criteria: it is a conservative change, it occurs at a poorly conserved position in the protein, it is predicted to be benign by multiple in silico algorithms, and/or has population frequency not consistent with disease.

Department of Pathology and Laboratory Medicine, Sinai Health System
Classification: Uncertain significance for Familial cancer of breast. Last evaluated: 2017-07-12. Review status: criteria provided, single submitter. Criteria: ACMG Guidelines, 2015. Collection method: clinical testing. Allele origin: germline. Affected: yes.

Department of Pathology and Laboratory Medicine, Sinai Health System
Classification: Uncertain significance for Malignant tumor of breast. Review status: no assertion criteria provided. Collection method: clinical testing. Allele origin: unknown. Affected: yes. Study: The Canadian Open Genetics Repository (COGR). Not counted in ClinVar's aggregate classification.
Comment: The ATM c.8850+12dupT variant was not identified in the literature nor was it identified in the dbSNP, Clinvitae, Cosmic, MutDB, LOVD 3.0, ATM-LOVD, databases. The variant was identified in ClinVar (1x, as likely benign by GeneDx) database. The variant was not identified in the 1000 Genomes Project, the NHLBI GO Exome Sequencing Project or the Exome Aggregation Consortium (August 8th 2016) control databases. FUNCTION DATA. The variant occurs outside of the splicing consensus sequence and in silico or computational prediction software programs (SpliceSiteFinder, MaxEntScan, NNSPLICE, GeneSplicer, HumanSpliceFinder) do not predict a difference in splicing. In summary, based on the above information the clinical significance of this variant cannot be determined with certainty at this time. This variant is classified as a variant of uncertain significance.

NM_000051.4(ATM):c.8850+12dup

Genes: ATM (ATM serine/threonine kinase; plus strand), C11orf65 (chromosome 11 open reading frame 65; minus strand). Cytogenetic location: 11q22.3.
Variant type: Duplication.
Coding change: c.8850+12dup on transcript NM_000051.4 (MANE Select); 12 bases into the intron after coding-DNA position 8850, one base duplicated (T; older notation c.8850+12dupT).
Molecular consequence: intron variant.
Genome position (GRCh38, 1-based): chr11:108,354,886, T duplicated; the last of 4 consecutive T bases (chr11:108,354,883-108,354,886); duplicating any one gives the same sequence. VCF-style (leftmost placement, unchanged base first): chr11-108354882-A-AT. GRCh37 (hg19) VCF-style: chr11-108225609-A-AT.
Other names: c.8850+12dup (NM_001351834.2); c.640+31037dup (NM_001330368.2); c.695-19591dup (NM_001351110.2); c.8850+12dupT (NM_000051.3).
Identifiers: ClinVar variation 420562 (VCV000420562.16), dbSNP rs1555143639, ClinGen allele CA16619267.